The following is an entry in ClinVar:

NM_000702.4(ATP1A2):c.2130C>T (p.Ala710=)

Gene: ATP1A2 (ATPase Na+/K+ transporting subunit alpha 2; plus strand). Cytogenetic location: 1q23.2.
Variant type: single nucleotide variant.
Coding change: c.2130C>T on transcript NM_000702.4 (MANE Select); coding-DNA position 2130, C replaced by T.
Protein change: p.Ala710=; no amino-acid change (alanine 710 retained).
Molecular consequence: synonymous variant.
Genome position (GRCh38, 1-based): chr1:160,135,448, C>T. VCF-style: chr1-160135448-C-T. GRCh37 (hg19) VCF-style: chr1-160105238-C-T.
Identifiers: ClinVar variation 293134 (VCV000293134.59), dbSNP rs374749325, ClinGen allele CA1194684.
Genomic context (GRCh38, chr1:160,135,448, plus strand): 5'-GCTTGGGAAGGGGTTTCGTCCTCAAGTGTGGCCGTCTTCCCTCCAGGGAGCCATTGTGGC[C>T]GTGACGGGTGACGGGGTGAACGACTCCCCTGCATTGAAGAAGGCTGACATTGGCATTGCC-3'
Protein context (NP_000693.1, residues 700-720): EGCQRQGAIV[Ala710=]VTGDGVNDSP

ClinVar aggregate classification (germline): Benign/Likely benign. Review status: criteria provided, multiple submitters, no conflicts (2 of 4 stars). 11 submissions from 7 submitters: Benign (6); Likely benign (5). Last evaluated 2025-11-10.

Conditions:
Developmental and epileptic encephalopathy 98. Identifiers: MedGen C5562017, MONDO:0030472, OMIM 619605.
Fetal akinesia, respiratory insufficiency, microcephaly, polymicrogyria, and dysmorphic facies. Identifiers: MedGen C5562015, MONDO:0859204, OMIM 619602.
Familial hemiplegic migraine. Identifiers: MedGen C0338484, MONDO:0000700.
Migraine, familial hemiplegic, 2. Identifiers: Orphanet 569, MedGen C1865322, MONDO:0011232, OMIM 602481.
Alternating hemiplegia of childhood 1 (AHC1). Identifiers: Orphanet 2131, MedGen C3549447, MONDO:0007087, OMIM 104290.

Allele frequency attached by ClinVar (database versions not stated): ESP Exome Variant Server 0.00008; TOPMed 0.00015; gnomAD 0.00021; gnomAD exomes 0.00039; ExAC 0.00053.
gnomAD v4.1: 429 of 1,614,030 alleles (0.027%); highest among the groups gnomAD compares: Non-Finnish European, 0.026%; 2 homozygotes.

Submissions (11):

Labcorp Genetics (formerly Invitae), Labcorp
Classification: Likely benign for Familial hemiplegic migraine. Last evaluated: 2025-11-10. Review status: criteria provided, single submitter. Criteria: Invitae Variant Classification Sherloc (09022015). Collection method: clinical testing. Allele origin: germline.

CeGaT Center for Human Genetics Tuebingen
Classification: Likely benign. Last evaluated: 2025-02-01. Review status: criteria provided, single submitter. Criteria: CeGaT Center For Human Genetics Tuebingen Variant Classification Criteria Version 2. Collection method: clinical testing. Allele origin: germline. Affected: yes. Observed: 4 variant alleles.
Comment: ATP1A2: BP4, BP7

Blueprint Genetics
Classification: Likely benign. Last evaluated: 2024-07-10. Review status: criteria provided, single submitter. Criteria: ACMG Guidelines, 2015. Collection method: clinical testing. Allele origin: germline.

Genome-Nilou Lab
Classification: Benign for Alternating hemiplegia of childhood 1. Last evaluated: 2021-12-05. Review status: criteria provided, single submitter. Criteria: ACMG Guidelines, 2015. Collection method: clinical testing. Allele origin: germline. Affected: no.

Genome-Nilou Lab
Classification: Benign for Developmental and epileptic encephalopathy 98. Last evaluated: 2021-12-05. Review status: criteria provided, single submitter. Criteria: ACMG Guidelines, 2015. Collection method: clinical testing. Allele origin: germline. Affected: no.

Genome-Nilou Lab
Classification: Benign for Fetal akinesia, respiratory insufficiency, microcephaly, polymicrogyria, and dysmorphic facies. Last evaluated: 2021-12-05. Review status: criteria provided, single submitter. Criteria: ACMG Guidelines, 2015. Collection method: clinical testing. Allele origin: germline. Affected: no.

Genome-Nilou Lab
Classification: Benign for Migraine, familial hemiplegic, 2. Last evaluated: 2021-12-05. Review status: criteria provided, single submitter. Criteria: ACMG Guidelines, 2015. Collection method: clinical testing. Allele origin: germline. Affected: no.

GeneDx
Classification: Likely benign. Last evaluated: 2018-05-15. Review status: criteria provided, single submitter. Criteria: GeneDx Variant Classification Process June 2021. Collection method: clinical testing. Allele origin: germline. Affected: yes.

Illumina Laboratory Services, Illumina
Classification: Benign for Alternating hemiplegia of childhood 1. Last evaluated: 2018-01-13. Review status: criteria provided, single submitter. Criteria: ICSL Variant Classification Criteria 13 December 2019. Collection method: clinical testing. Allele origin: germline.
Comment: This variant was observed in the ICSL laboratory as part of a predisposition screen in an ostensibly healthy population. It had not been previously curated by ICSL or reported in the Human Gene Mutation Database (HGMD: prior to June 1st, 2018), and was therefore a candidate for classification through an automated scoring system. Utilizing variant allele frequency, disease prevalence and penetrance estimates, and inheritance mode, an automated score was calculated to assess if this variant is too frequent to cause the disease. Based on the score and internal cut-off values, a variant classified as benign is not then subjected to further curation. The score for this variant resulted in a classification of benign for this disease.

Illumina Laboratory Services, Illumina
Classification: Likely benign for Migraine, familial hemiplegic, 2. Last evaluated: 2018-01-13. Review status: criteria provided, single submitter. Criteria: ICSL Variant Classification Criteria 13 December 2019. Collection method: clinical testing. Allele origin: germline.
Comment: This variant was observed in the ICSL laboratory as part of a predisposition screen in an ostensibly healthy population. It had not been previously curated by ICSL or reported in the Human Gene Mutation Database (HGMD: prior to June 1st, 2018), and was therefore a candidate for classification through an automated scoring system. Utilizing variant allele frequency, disease prevalence and penetrance estimates, and inheritance mode, an automated score was calculated to assess if this variant is too frequent to cause the disease. Based on the score and internal cut-off values, a variant classified as likely benign is not then subjected to further curation. The score for this variant resulted in a classification of likely benign for this disease.

Athena Diagnostics
Classification: Benign. Last evaluated: 2017-07-27. Review status: criteria provided, single submitter. Criteria: Athena Diagnostics Criteria. Collection method: clinical testing. Allele origin: germline.